The following is an entry in ClinVar:

NM_014000.3(VCL):c.*1203A>C

Gene: VCL (vinculin; plus strand). Cytogenetic location: 10q22.2.
Variant type: single nucleotide variant.
Coding change: c.*1203A>C on transcript NM_014000.3 (MANE Select); 1203 bases downstream of the stop codon, A replaced by C.
Molecular consequence: 3 prime UTR variant.
Genome position (GRCh38, 1-based): chr10:74,119,372, A>C. VCF-style: chr10-74119372-A-C. GRCh37 (hg19) VCF-style: chr10-75879130-A-C.
Other names: c.*1203A>C (NM_003373.4).
Identifiers: ClinVar variation 300810 (VCV000300810.6), dbSNP rs149551128, ClinGen allele CA10632246.

ClinVar aggregate classification (germline): Likely benign. Review status: criteria provided, multiple submitters, no conflicts (2 of 4 stars). 2 submissions from 2 submitters: Likely benign (2). Last evaluated 2018-01-13.

Conditions:
Dilated cardiomyopathy 1W (CMD1W). Identifiers: Orphanet 154, MedGen C1969639, MONDO:0012667, OMIM 611407.

Allele frequency attached by ClinVar (database versions not stated): TOPMed 0.00458; gnomAD 0.00486 and 0.00511; 1000 Genomes Project 0.00579; 1000 Genomes Project 30x 0.00640.

Submissions (2):

Illumina Laboratory Services, Illumina
Classification: Likely benign for Dilated cardiomyopathy 1W. Last evaluated: 2018-01-13. Review status: criteria provided, single submitter. Criteria: ICSL Variant Classification Criteria 13 December 2019. Collection method: clinical testing. Allele origin: germline.
Comment: This variant was observed in the ICSL laboratory as part of a predisposition screen in an ostensibly healthy population. It had not been previously curated by ICSL or reported in the Human Gene Mutation Database (HGMD: prior to June 1st, 2018), and was therefore a candidate for classification through an automated scoring system. Utilizing variant allele frequency, disease prevalence and penetrance estimates, and inheritance mode, an automated score was calculated to assess if this variant is too frequent to cause the disease. Based on the score and internal cut-off values, a variant classified as likely benign is not then subjected to further curation. The score for this variant resulted in a classification of likely benign for this disease.

Breakthrough Genomics
Classification: Likely benign. Review status: criteria provided, single submitter. Criteria: ACMG Guidelines, 2015. Collection method: not provided. Allele origin: germline. Inheritance: Autosomal dominant inheritance. Affected: yes.